The following is an entry in ClinVar:

ClinVar aggregate classification (germline): Uncertain significance. Review status: criteria provided, multiple submitters, no conflicts (2 of 4 stars). 2 submissions from 2 submitters: Uncertain significance (2). Last evaluated 2026-05-26.

Conditions:
Dilated cardiomyopathy 1G (CMD1G). Identifiers: Orphanet 154, MedGen C1858763, MONDO:0011400, OMIM 604145.
Autosomal recessive limb-girdle muscular dystrophy type 2J (LGMDR10). Also called: Limb-girdle muscular dystrophy, type 2J; MUSCULAR DYSTROPHY, LIMB-GIRDLE, AUTOSOMAL RECESSIVE 10. Identifiers: Orphanet 140922, MedGen C1837342, MONDO:0012127, OMIM 608807.

Allele frequency attached by ClinVar (database versions not stated): gnomAD 0.00001 and 0.00003; gnomAD exomes 0.00002; TOPMed 0.00002; ExAC 0.00003.
gnomAD v4.1: 32 of 1,613,476 alleles (0.002%); highest among the groups gnomAD compares: East Asian, 0.025%; no homozygotes.

Submissions (2):

Women's Health and Genetics/Laboratory Corporation of America, LabCorp
Classification: Uncertain significance. Last evaluated: 2026-05-26. Review status: criteria provided, single submitter. Criteria: LabCorp Variant Classification Summary - May 2015. Collection method: clinical testing. Allele origin: germline.
Comment: Variant summary: TTN c.28055T>C (p.Val9352Ala) results in a non-conservative amino acid change in the encoded protein sequence. Algorithms developed to predict the effect of missense changes on protein structure and function are either unavailable or do not agree on the potential impact of this missense change. The variant allele was found at a frequency of 2.4e-05 in 249000 control chromosomes. The available data on variant occurrences in the general population are insufficient to allow any conclusion about variant significance. To our knowledge, no occurrence of c.28055T>C in individuals affected with TTN-related conditions and no experimental evidence demonstrating its impact on protein function have been reported. ClinVar contains an entry for this variant (Variation ID: 404724). Based on the evidence outlined above, the variant was classified as uncertain significance.

Labcorp Genetics (formerly Invitae), Labcorp
Classification: Uncertain significance for Dilated cardiomyopathy 1G; Autosomal recessive limb-girdle muscular dystrophy type 2J. Last evaluated: 2016-09-20. Review status: criteria provided, single submitter. Criteria: Invitae Variant Classification Sherloc (09022015). Collection method: clinical testing. Allele origin: germline.

NM_001267550.2(TTN):c.31787T>C (p.Val10596Ala)

Gene: TTN (titin; minus strand). Cytogenetic location: 2q31.2.
Variant type: single nucleotide variant.
Coding change: c.31787T>C on transcript NM_001267550.2 (MANE Select); coding-DNA position 31787, T replaced by C.
Protein change: p.Val10596Ala; replaces valine 10596 with alanine.
Molecular consequence: missense variant. On other transcripts: intron variant (3).
Genome position (GRCh38, 1-based): chr2:178,689,872, A>G on the plus strand (T>C on the coding strand, the complement: TTN is on the minus strand). VCF-style: chr2-178689872-A-G. GRCh37 (hg19) VCF-style: chr2-179554599-A-G.
Other names: c.30836T>C, p.Val10279Ala (NM_001256850.1); c.28055T>C, p.Val9352Ala (NM_133378.4); c.13283-47555T>C (NM_003319.4); c.13859-47555T>C (NM_133437.4); c.13658-47555T>C (NM_133432.3); short protein forms V10596A, V10279A, V9352A.
Identifiers: ClinVar variation 404724 (VCV000404724.4), dbSNP rs746313065, ClinGen allele CA1998841.